The following is an entry in ClinVar:

NM_020937.4(FANCM):c.1672A>G (p.Ile558Val)

Gene: FANCM (FA complementation group M; plus strand). Cytogenetic location: 14q21.2.
Variant type: single nucleotide variant.
Coding change: c.1672A>G on transcript NM_020937.4 (MANE Select); coding-DNA position 1672, A replaced by G.
Protein change: p.Ile558Val; replaces isoleucine 558 with valine.
Molecular consequence: missense variant.
Genome position (GRCh38, 1-based): chr14:45,164,449, A>G. VCF-style: chr14-45164449-A-G. GRCh37 (hg19) VCF-style: chr14-45633652-A-G.
Other names: c.1594A>G, p.Ile532Val (NM_001308133.2); c.1672A>G, p.Ile558Val (NM_001308134.2); short protein forms I532V, I558V.
Identifiers: ClinVar variation 4254531 (VCV004254531.1).

ClinVar aggregate classification (germline): Uncertain significance (1 of 4 stars; one submission).

Conditions:
Inborn genetic diseases. Identifiers: MedGen C0950123, MeSH D030342.

gnomAD v4.1: 2 of 1,613,650 alleles (0.00012%); highest among the groups gnomAD compares: African/African-American, 0.0013%; no homozygotes.

Submission:

Ambry Genetics
Classification: Uncertain significance for Inborn genetic diseases. Last evaluated: 2025-06-21. Review status: criteria provided, single submitter. Criteria: Ambry Variant Classification Scheme 2023. Collection method: clinical testing. Allele origin: germline.
Comment: The p.I558V variant (also known as c.1672A>G), located in coding exon 10 of the FANCM gene, results from an A to G substitution at nucleotide position 1672. The isoleucine at codon 558 is replaced by valine, an amino acid with highly similar properties. This amino acid position is conserved. In addition, this alteration is predicted to be tolerated by in silico analysis. Based on the available evidence, the clinical significance of this variant remains unclear.